The following is an entry in ClinVar:

ClinVar aggregate classification (germline): Uncertain significance (1 of 4 stars; one submission).

Conditions:
Primary ciliary dyskinesia. Also called: Ciliary dyskinesia. Identifiers: Orphanet 244, MedGen C0008780, MONDO:0016575, HP:0012265.

Allele frequency attached by ClinVar (database versions not stated): gnomAD exomes below 0.00001; TOPMed below 0.00001; gnomAD 0.00001.
gnomAD v4.1: 5 of 1,614,036 alleles (0.00031%); highest among the groups gnomAD compares: Admixed American, 0.0017%; no homozygotes.

Submission:

Labcorp Genetics (formerly Invitae), Labcorp
Classification: Uncertain significance for Primary ciliary dyskinesia. Last evaluated: 2022-03-02. Review status: criteria provided, single submitter. Criteria: Invitae Variant Classification Sherloc (09022015). Collection method: clinical testing. Allele origin: germline.
Comment: This sequence change replaces histidine, which is basic and polar, with arginine, which is basic and polar, at codon 4123 of the DNAH5 protein (p.His4123Arg). This variant is present in population databases (no rsID available, gnomAD 0.006%). This variant has not been reported in the literature in individuals affected with DNAH5-related conditions. ClinVar contains an entry for this variant (Variation ID: 1007788). Advanced modeling of protein sequence and biophysical properties (such as structural, functional, and spatial information, amino acid conservation, physicochemical variation, residue mobility, and thermodynamic stability) performed at Invitae indicates that this missense variant is not expected to disrupt DNAH5 protein function. In summary, the available evidence is currently insufficient to determine the role of this variant in disease. Therefore, it has been classified as a Variant of Uncertain Significance.

NM_001369.3(DNAH5):c.12368A>G (p.His4123Arg)

Gene: DNAH5 (dynein axonemal heavy chain 5; minus strand). Cytogenetic location: 5p15.2.
Variant type: single nucleotide variant.
Coding change: c.12368A>G on transcript NM_001369.3 (MANE Select); coding-DNA position 12368, A replaced by G.
Protein change: p.His4123Arg; replaces histidine 4123 with arginine.
Molecular consequence: missense variant.
Genome position (GRCh38, 1-based): chr5:13,719,013, T>C on the plus strand (A>G on the coding strand, the complement: DNAH5 is on the minus strand). VCF-style: chr5-13719013-T-C. GRCh37 (hg19) VCF-style: chr5-13719122-T-C.
Other names: short protein forms H4123R.
Identifiers: ClinVar variation 1007788 (VCV001007788.4), dbSNP rs1218242577, ClinGen allele CA359210767.